The following is an entry in ClinVar:

ClinVar aggregate classification (germline): Conflicting classifications of pathogenicity. Review status: criteria provided, conflicting classifications (1 of 4 stars). 4 submissions from 4 submitters: Uncertain significance (2); Likely benign (1). 1 of the submissions does not count toward it. Last evaluated 2025-04-23.

Conditions:
Hereditary breast ovarian cancer syndrome. Also called: Hereditary breast and ovarian cancer syndrome; Hereditary breast and ovarian cancer syndrome (HBOC); Breast and ovarian cancer; BRCA1- and BRCA2-Associated Hereditary Breast and Ovarian Cancer; Hereditary breast and ovarian cancer; Hereditary breast and/or ovarian cancer syndrome. Identifiers: Orphanet 145, MedGen C0677776, MeSH D061325, MONDO:0003582. Disease mechanism: loss of function.
BRCA2-related cancer predisposition. Identifiers: MedGen CN377758, MONDO:0700269.
Hereditary cancer-predisposing syndrome. Also called: Hereditary Cancer Syndrome; Neoplastic Syndromes, Hereditary; Tumor predisposition; Hereditary neoplastic syndrome. Identifiers: Orphanet 140162, MedGen C0027672, MeSH D009386, MONDO:0015356.
Breast-ovarian cancer, familial, susceptibility to, 2 (BROVCA2). Also called: BRCA2 Hereditary Breast and Ovarian Cancer. Identifiers: Orphanet 145, MedGen C2675520, MONDO:0012933, OMIM 612555. Disease mechanism: loss of function.

gnomAD v4.1: 1 of 1,612,798 alleles (0.000062%); highest among the groups gnomAD compares: Non-Finnish European, 0.000085%; no homozygotes.

Submissions (4):

Labcorp Genetics (formerly Invitae), Labcorp
Classification: Uncertain significance for Hereditary breast ovarian cancer syndrome. Last evaluated: 2025-04-23. Review status: criteria provided, single submitter. Criteria: Invitae Variant Classification Sherloc (09022015). Collection method: clinical testing. Allele origin: germline.
Comment: This sequence change replaces aspartic acid, which is acidic and polar, with asparagine, which is neutral and polar, at codon 2218 of the BRCA2 protein (p.Asp2218Asn). This variant is not present in population databases (gnomAD no frequency). This variant has not been reported in the literature in individuals affected with BRCA2-related conditions. ClinVar contains an entry for this variant (Variation ID: 1349558). Invitae Evidence Modeling of protein sequence and biophysical properties (such as structural, functional, and spatial information, amino acid conservation, physicochemical variation, residue mobility, and thermodynamic stability) indicates that this missense variant is not expected to disrupt BRCA2 protein function with a negative predictive value of 95%. In summary, the available evidence is currently insufficient to determine the role of this variant in disease. Therefore, it has been classified as a Variant of Uncertain Significance.

All of Us Research Program, National Institutes of Health
Classification: Uncertain significance for BRCA2-related cancer predisposition. Last evaluated: 2024-06-09. Review status: criteria provided, single submitter. Criteria: ACMG Guidelines, 2015. Collection method: clinical testing. Allele origin: germline. Inheritance: Autosomal dominant inheritance. Observed: 1 variant allele, 1 heterozygote.
Comment: This missense variant replaces aspartic acid with asparagine at codon 2218 of the BRCA2 protein. Computational prediction suggests that this variant may not impact protein structure and function. To our knowledge, functional studies have not been reported for this variant. This variant has not been reported in individuals affected with BRCA2-related disorders in the literature. This variant has not been identified in the general population by the Genome Aggregation Database (gnomAD). The available evidence is insufficient to determine the role of this variant in disease conclusively. Therefore, this variant is classified as a Variant of Uncertain Significance.

This study involves interpretation of variants in research participants for the purpose of population health screening. Participant phenotype was not available at the time of variant classification. Additional details can be found in publication PMID: 35346344, PMCID: PMC8962531

University of Washington Department of Laboratory Medicine, University of Washington
Classification: Likely benign for Hereditary cancer-predisposing syndrome. Last evaluated: 2023-03-23. Review status: criteria provided, single submitter. Criteria: Dines et al. (Genet Med. 2020). Collection method: curation. Allele origin: germline.
Comment: Missense variant in a coldspot region where missense variants are very unlikely to be pathogenic (PMID:31911673).

BRCA2 exon 11 coldspot. Reclassification based on statistical prior probability.

Department of Medical and Surgical Sciences, University of Bologna
Classification: Likely benign for Breast-ovarian cancer, familial, susceptibility to, 2. Last evaluated: 2023-09-01. Review status: no assertion criteria provided. Collection method: clinical testing. Allele origin: germline. Affected: yes. Not counted in ClinVar's aggregate classification.
Comment: PM2(Supporting)+BP1(Strong) according to ACMG/AMP classification guidelines specified for BRCA1 & BRCA2 (Classification Criteria V1.0.0 2023-09-08) (PMID: 38160042)

NM_000059.4(BRCA2):c.6652G>A (p.Asp2218Asn)

Gene: BRCA2 (BRCA2 DNA repair associated; plus strand). Cytogenetic location: 13q13.1.
Variant type: single nucleotide variant.
Coding change: c.6652G>A on transcript NM_000059.4 (MANE Select); coding-DNA position 6652, G replaced by A.
Protein change: p.Asp2218Asn; replaces aspartic acid 2218 with asparagine.
Molecular consequence: missense variant.
Genome position (GRCh38, 1-based): chr13:32,341,007, G>A. VCF-style: chr13-32341007-G-A. GRCh37 (hg19) VCF-style: chr13-32915144-G-A.
Other names: short protein forms D2218N.
Identifiers: ClinVar variation 1349558 (VCV001349558.9), dbSNP rs730881547, ClinGen allele CA387790405.